The following is an entry in ClinVar:

NM_014780.5(CUL7):c.4359_4363dup (p.Glu1455fs)

Gene: CUL7 (cullin 7; minus strand). Cytogenetic location: 6p21.1.
Variant type: Microsatellite.
Coding change: c.4359_4363dup on transcript NM_014780.5 (MANE Select); coding-DNA positions 4359 to 4363, 5 bases duplicated (GGCTG; older notation c.4359_4363dupGGCTG).
Protein change: p.Glu1455fs; shifts the reading frame from glutamic acid 1455.
Molecular consequence: frameshift variant.
Genome position (GRCh38, 1-based): chr6:43,038,919-43,038,923, CAGCC duplicated on the plus strand (GGCTG on the coding strand, the reverse complement: CUL7 is on the minus strand); duplicating any 5 consecutive bases within chr6:43,038,919-43,038,933 gives the same sequence; the c. name uses the placement nearest the transcript's 3' end. VCF-style (leftmost placement, unchanged base first): chr6-43038918-T-TCAGCC. GRCh37 (hg19) VCF-style: chr6-43006656-T-TCAGCC.
Other names: c.4455_4459dup, p.Glu1487fs (NM_001168370.2, NM_001374872.1); c.4359_4363dup, p.Glu1455fs (NM_001374873.1); c.4356_4360dup, p.Glu1454fs (NM_001374874.1); short protein forms E1454fs, E1455fs, E1487fs.
Identifiers: ClinVar variation 4856374 (VCV004856374.1).
Genomic context (GRCh38, chr6:43,038,918, plus strand): 5'-TACAGCAGTAGCCACATCTGCACGGTGGACACATGCAGGGTCTGGTTCCCAAACTGCAGC[T>TCAGCC]CAGCCCAGCCCAGCCACGTCCACTGCAGTCGCCTCTGTGAGCCTCGCTCAAGGGCAGGGT-3'

ClinVar aggregate classification (germline): Pathogenic (1 of 4 stars; one submission).

Conditions:
3M syndrome 1. Also called: 3-M Syndrome, CUL7-Related. Identifiers: Orphanet 2616, MedGen C2678312, MONDO:0010117, OMIM 273750.

Submission:

3billion
Classification: Pathogenic for 3M syndrome 1. Last evaluated: 2025-09-29. Review status: criteria provided, single submitter. Criteria: ACMG Guidelines, 2015. Collection method: clinical testing. Allele origin: germline. Affected: yes.
Comment: The variant is observed at an extremely low frequency in the gnomAD v4.1.0 dataset (total allele frequency: <0.001%). Predicted Consequence/Location: Frameshift: predicted to result in a loss or disruption of normal protein function through nonsense-mediated decay (NMD) or protein truncation. Multiple pathogenic variants are reported downstream of the variant. The variant has been reported to be associated with CUL7-related disorder (PMID: 26488604). Therefore, this variant is classified as Pathogenic according to the recommendation of ACMG/AMP guideline.

Literature cited by the submitters: PubMed 26488604.